The following is an entry in ClinVar:

NM_004608.4(TBX6):c.766C>T (p.Gln256Ter)

Gene: TBX6 (T-box transcription factor 6; minus strand). Cytogenetic location: 16p11.2.
Variant type: single nucleotide variant.
Coding change: c.766C>T on transcript NM_004608.4 (MANE Select); coding-DNA position 766, C replaced by T.
Protein change: p.Gln256Ter; replaces glutamine 256 with a stop codon.
Molecular consequence: nonsense.
Genome position (GRCh38, 1-based): chr16:30,088,695, G>A on the plus strand (C>T on the coding strand, the complement: TBX6 is on the minus strand). VCF-style: chr16-30088695-G-A. GRCh37 (hg19) VCF-style: chr16-30100016-G-A.
Other names: short protein forms Q256*.
Identifiers: ClinVar variation 4884030 (VCV004884030.3).

ClinVar aggregate classification (germline): Likely pathogenic. Review status: criteria provided, multiple submitters, no conflicts (2 of 4 stars). 2 submissions from 2 submitters: Likely pathogenic (2). Last evaluated 2025-05-28.

Conditions:
TBX6-related disorder. Also called: TBX6-related condition.
Spondylocostal dysostosis 5 (SCDO5). Also called: SCOLIOSIS, CONGENITAL, WITH OR WITHOUT RIB ANOMALIES. Identifiers: MedGen C4083048, MONDO:0007389, OMIM 122600.

gnomAD v4.1: 1 of 1,614,162 alleles (0.000062%); no homozygotes.

Submissions (2):

Dasa
Classification: Likely pathogenic for Spondylocostal dysostosis 5. Last evaluated: 2025-05-28. Review status: criteria provided, single submitter. Criteria: DASA Assertion Criteria. Collection method: clinical testing. Allele origin: germline.
Comment: NM_004608.4(TBX6):c.766C>T (p.Gln256*) is a nonsense variant in TBX6 predicted to introduce a premature termination codon and is predicted to result in an absent or altered protein product. Loss of function is an established disease mechanism for TBX6-associated disorders. Also, this variant is rare in population databases. Based on the currently available evidence, this variant is classified as likely pathogenic.

Blueprint Genetics
Classification: Likely pathogenic for TBX6-related disorders. Last evaluated: 2024-03-07. Review status: criteria provided, single submitter. Criteria: ACMG Guidelines, 2015. Collection method: clinical testing. Allele origin: germline. Affected: yes. Observed: 5 variant alleles.